The following is an entry in ClinVar:

NM_001105206.3(LAMA4):c.3585T>A (p.Asp1195Glu)

Gene: LAMA4 (laminin subunit alpha 4; minus strand). Cytogenetic location: 6q21.
Variant type: single nucleotide variant.
Coding change: c.3585T>A on transcript NM_001105206.3 (MANE Select); coding-DNA position 3585, T replaced by A.
Protein change: p.Asp1195Glu; replaces aspartic acid 1195 with glutamic acid.
Molecular consequence: missense variant.
Genome position (GRCh38, 1-based): chr6:112,133,460, A>T on the plus strand (T>A on the coding strand, the complement: LAMA4 is on the minus strand). VCF-style: chr6-112133460-A-T. GRCh37 (hg19) VCF-style: chr6-112454662-A-T.
Other names: c.3564T>A (LRG_433t2); c.3564T>A, p.Asp1188Glu (NM_001105207.3, NM_002290.5); short protein forms D1188E, D1195E.
Identifiers: ClinVar variation 191682 (VCV000191682.5), dbSNP rs786205410, ClinGen allele CA237253.

ClinVar aggregate classification (germline): Uncertain significance. Review status: criteria provided, multiple submitters, no conflicts (2 of 4 stars). 3 submissions from 3 submitters: Uncertain significance (3). Last evaluated 2025-12-03.

Conditions:
Cardiovascular phenotype. Identifiers: MedGen CN230736.
Dilated cardiomyopathy 1JJ (CMD1JJ). Identifiers: Orphanet 154, MedGen C3808935, MONDO:0014095, OMIM 615235.

Allele frequency attached by ClinVar (database versions not stated): gnomAD 0.00004 and 0.00003; TOPMed 0.00003; gnomAD exomes below 0.00001.
gnomAD v4.1: 6 of 1,613,596 alleles (0.00037%); highest among the groups gnomAD compares: African/African-American, 0.008%; no homozygotes.

Submissions (3):

Labcorp Genetics (formerly Invitae), Labcorp
Classification: Uncertain significance for Dilated cardiomyopathy 1JJ. Last evaluated: 2025-12-03. Review status: criteria provided, single submitter. Criteria: Invitae Variant Classification Sherloc (09022015). Collection method: clinical testing. Allele origin: germline.
Comment: This sequence change replaces aspartic acid, which is acidic and polar, with glutamic acid, which is acidic and polar, at codon 1188 of the LAMA4 protein (p.Asp1188Glu). This variant is present in population databases (rs786205410, gnomAD 0.008%). This variant has not been reported in the literature in individuals affected with LAMA4-related conditions. ClinVar contains an entry for this variant (Variation ID: 191682). Invitae Evidence Modeling of protein sequence and biophysical properties (such as structural, functional, and spatial information, amino acid conservation, physicochemical variation, residue mobility, and thermodynamic stability) indicates that this missense variant is not expected to disrupt LAMA4 protein function with a negative predictive value of 80%. In summary, the available evidence is currently insufficient to determine the role of this variant in disease. Therefore, it has been classified as a Variant of Uncertain Significance.

Ambry Genetics
Classification: Uncertain significance for Cardiovascular phenotype. Last evaluated: 2021-06-23. Review status: criteria provided, single submitter. Criteria: Ambry Variant Classification Scheme 2023. Collection method: clinical testing. Allele origin: germline.
Comment: The p.D1188E variant (also known as c.3564T>A), located in coding exon 26 of the LAMA4 gene, results from a T to A substitution at nucleotide position 3564. The aspartic acid at codon 1188 is replaced by glutamic acid, an amino acid with highly similar properties. This alteration has been reported as a secondary cardiac variant in an exome cohort; however, clinical details are limited (Ng D et al. Circ Cardiovasc Genet, 2013 Aug;6:337-46). This amino acid position is not well conserved in available vertebrate species. In addition, this alteration is predicted to be tolerated by in silico analysis. Since supporting evidence is limited at this time, the clinical significance of this alteration remains unclear.

Biesecker Lab/Clinical Genomics Section, National Institutes of Health
Classification: Uncertain significance. Last evaluated: 2013-06-24. Review status: criteria provided, single submitter. Criteria: Ng et al. (Circ Cardiovasc Genet. 2013). Collection method: research. Allele origin: unknown. Observed: 1 variant allele. Study: ClinSeq.
Comment: The study set was not selected for affection status in relation to any cancer. Pathogenicity categories were based on literature curation. See Pubmed ID:23861362 for details.

Medical sequencing

Literature cited by the submitters: PubMed 23861362 (cited by Ambry Genetics).